The following is an entry in ClinVar:

ClinVar aggregate classification (germline): Uncertain significance (1 of 4 stars; one submission).

Allele frequency attached by ClinVar (database versions not stated): TOPMed below 0.00001; gnomAD 0.00001; gnomAD exomes 0.00010; ExAC 0.00018.

Submission:

Labcorp Genetics (formerly Invitae), Labcorp
Classification: Uncertain significance. Last evaluated: 2023-05-15. Review status: criteria provided, single submitter. Criteria: Invitae Variant Classification Sherloc (09022015). Collection method: clinical testing. Allele origin: germline.
Comment: An algorithm developed to predict the effect of missense changes on protein structure and function (PolyPhen-2) suggests that this variant is likely to be disruptive. In summary, the available evidence is currently insufficient to determine the role of this variant in disease. Therefore, it has been classified as a Variant of Uncertain Significance. ClinVar contains an entry for this variant (Variation ID: 1021218). This sequence change replaces glycine, which is neutral and non-polar, with aspartic acid, which is acidic and polar, at codon 363 of the ARHGEF18 protein (p.Gly363Asp). This variant is present in population databases (rs765607812, gnomAD 0.05%). This variant has not been reported in the literature in individuals affected with ARHGEF18-related conditions.

NM_001367823.1(ARHGEF18):c.1652G>A (p.Gly551Asp)

Gene: ARHGEF18 (Rho/Rac guanine nucleotide exchange factor 18; plus strand). Cytogenetic location: 19p13.2.
Variant type: single nucleotide variant.
Coding change: c.1652G>A on transcript NM_001367823.1 (MANE Select); coding-DNA position 1652, G replaced by A.
Protein change: p.Gly551Asp; replaces glycine 551 with aspartic acid.
Molecular consequence: missense variant.
Genome position (GRCh38, 1-based): chr19:7,447,083, G>A. VCF-style: chr19-7447083-G-A. GRCh37 (hg19) VCF-style: chr19-7511969-G-A.
Other names: c.926G>A, p.Gly309Asp (NM_001130955.2); c.614G>A, p.Gly205Asp (NM_001367824.1, NM_015318.4); short protein forms G205D, G309D, G551D.
Identifiers: ClinVar variation 1021218 (VCV001021218.8), dbSNP rs765607812, ClinGen allele CA9136542.
Genomic context (GRCh38, chr19:7,447,083, plus strand): 5'-TCCATCCTTTTGTTTATCAGTTTTCAGGTGAAAATGGGGAGAGAATGAAAGAAAAGTACG[G>A]TGTGTTTTGTAGTGGCCACAATGAAGCTGTTAGTCATTACAAGTTGCTGCTTCAGCAAAA-3'
Protein context (NP_001354752.1, residues 541-561): ENGERMKEKY[Gly551Asp]VFCSGHNEAV